The following is an entry in ClinVar:

NM_181486.4(TBX5):c.727del (p.Glu243fs)

Gene: TBX5 (T-box transcription factor 5; minus strand). Cytogenetic location: 12q24.21.
Variant type: Deletion.
Coding change: c.727del on transcript NM_181486.4 (MANE Select); coding-DNA position 727, one base deleted (G; older notation c.727delG).
Protein change: p.Glu243fs; shifts the reading frame from glutamic acid 243.
Molecular consequence: frameshift variant.
Genome position (GRCh38, 1-based): chr12:114,385,504, C deleted on the plus strand (G on the coding strand, the reverse complement: TBX5 is on the minus strand); the first of 2 consecutive C bases (chr12:114,385,504-114,385,505); deleting either gives the same sequence. VCF-style (leftmost placement, unchanged base first): chr12-114385503-TC-T. GRCh37 (hg19) VCF-style: chr12-114823308-TC-T.
Other names: c.727del, p.Glu243fs (NM_000192.3); c.577del, p.Glu193fs (NM_080717.4); short protein forms E193fs, E243fs.
Identifiers: ClinVar variation 846539 (VCV000846539.9), dbSNP rs1870762150, ClinGen allele CA916082352.

ClinVar aggregate classification (germline): Pathogenic (1 of 4 stars; one submission).

Conditions:
Aortic valve disease 2 (AOVD2). Identifiers: MedGen C3542024, MONDO:0013902, OMIM 614823.

Submission:

Labcorp Genetics (formerly Invitae), Labcorp
Classification: Pathogenic for Aortic valve disease 2. Last evaluated: 2019-03-07. Review status: criteria provided, single submitter. Criteria: Invitae Variant Classification Sherloc (09022015). Collection method: clinical testing. Allele origin: germline.
Comment: For these reasons, this variant has been classified as Pathogenic. Loss-of-function variants in TBX5 are known to be pathogenic (PMID: 16183809, 16917909). This variant has been observed in an individual affected with Holt-Oram syndrome (PMID: 10077612). This variant is not present in population databases (ExAC no frequency). This sequence change creates a premature translational stop signal (p.Glu243Serfs*21) in the TBX5 gene. It is expected to result in an absent or disrupted protein product.

Literature cited by the submitters: PubMed 16183809; PubMed 16917909; PubMed 10077612.